The following is an entry in ClinVar:

NC_012920.1(MT-CYB):m.15218A>G

Gene: MT-CYB (mitochondrially encoded cytochrome b; plus strand).
Variant type: single nucleotide variant.
Genome position: chrM-15218-A-G.
Identifiers: ClinVar variation 693843 (VCV000693843.2), dbSNP rs2853506, ClinGen allele CA337100321.

ClinVar aggregate classification (germline): Benign/Likely benign. Review status: criteria provided, multiple submitters, no conflicts (2 of 4 stars). 2 submissions from 2 submitters: Benign (1); Likely benign (1). Last evaluated 2025-02-16.

Conditions:
Leigh syndrome (NULS). Also called: Leigh's necrotizing encephalopathy; Leigh's disease; Leigh's syndrome; LEIGH SYNDROME, NUCLEAR; Leigh Syndrome (mtDNA deletion); Leigh Disease. Identifiers: Orphanet 506, MedGen C2931891, MONDO:0009723, OMIM 256000.

Submissions (2):

Laboratory of Genetics, Children's Clinical University Hospital Latvia
Classification: Likely benign. Last evaluated: 2025-02-16. Review status: criteria provided, single submitter. Criteria: ACMG Guidelines, 2015. Collection method: clinical testing. Allele origin: germline. Affected: yes.

Wong Mito Lab, Molecular and Human Genetics, Baylor College of Medicine
Classification: Benign for Leigh syndrome. Last evaluated: 2019-10-17. Review status: criteria provided, single submitter. Criteria: Modified ACMG Guidelines (Unpublished). Collection method: clinical testing. Allele origin: germline.
Comment: The NC_012920.1:m.15218A>G (YP_003024038.1:p.Thr158Ala) variant in MTCYB gene is interpretated to be a Benign variant based on the modified ACMG guidelines (unpublished). This variant meets the following evidence codes: BA1